The following is an entry in ClinVar:

ClinVar aggregate classification (germline): Uncertain significance (1 of 4 stars; one submission).

gnomAD v4.1: 1 of 1,611,910 alleles (0.000062%); highest among the groups gnomAD compares: South Asian, 0.0011%; no homozygotes.

Submission:

Ambry Genetics
Classification: Uncertain significance. Last evaluated: 2025-03-19. Review status: criteria provided, single submitter. Criteria: Ambry Variant Classification Scheme 2023. Collection method: clinical testing. Allele origin: germline.
Comment: The p.N285H variant (also known as c.853A>C), located in coding exon 6 of the RECQL gene, results from an A to C substitution at nucleotide position 853. The asparagine at codon 285 is replaced by histidine, an amino acid with similar properties. This amino acid position is conserved. In addition, the in silico prediction for this alteration is inconclusive. Based on the available evidence, the clinical significance of this variant remains unclear.

NM_002907.4(RECQL):c.853A>C (p.Asn285His)

Gene: RECQL (RecQ like helicase; minus strand). Cytogenetic location: 12p12.1.
Variant type: single nucleotide variant.
Coding change: c.853A>C on transcript NM_002907.4 (MANE Select); coding-DNA position 853, A replaced by C.
Protein change: p.Asn285His; replaces asparagine 285 with histidine.
Molecular consequence: missense variant.
Genome position (GRCh38, 1-based): chr12:21,477,817, T>G on the plus strand (A>C on the coding strand, the complement: RECQL is on the minus strand). VCF-style: chr12-21477817-T-G. GRCh37 (hg19) VCF-style: chr12-21630751-T-G.
Other names: c.853A>C, p.Asn285His (NM_032941.3); short protein forms N285H.
Identifiers: ClinVar variation 3944191 (VCV003944191.1).